The following is an entry in ClinVar:

NM_018136.5(ASPM):c.8820+7C>G

Gene: ASPM (assembly factor for spindle microtubules; minus strand). Cytogenetic location: 1q31.3.
Variant type: single nucleotide variant.
Coding change: c.8820+7C>G on transcript NM_018136.5 (MANE Select); 7 bases into the intron after coding-DNA position 8820, C replaced by G.
Molecular consequence: intron variant.
Genome position (GRCh38, 1-based): chr1:197,100,424, G>C on the plus strand (C>G on the coding strand, the complement: ASPM is on the minus strand). VCF-style: chr1-197100424-G-C. GRCh37 (hg19) VCF-style: chr1-197069554-G-C.
Other names: c.4066-4260C>G (NM_001206846.2).
Identifiers: ClinVar variation 157900 (VCV000157900.26), dbSNP rs115045814, ClinGen allele CA171271.

ClinVar aggregate classification (germline): Benign/Likely benign. Review status: criteria provided, multiple submitters, no conflicts (2 of 4 stars). 9 submissions from 9 submitters: Benign (8); Likely benign (1). Last evaluated 2026-01-27.

Conditions:
Microcephaly 5, primary, autosomal recessive (MCPH5). Also called: ASPM Primary Microcephaly. Identifiers: Orphanet 2512, MedGen C1837501, MONDO:0012106, OMIM 608716.

Allele frequency attached by ClinVar (database versions not stated): ExAC 0.00876; ESP Exome Variant Server 0.00910; TOPMed 0.00950; gnomAD exomes 0.00087 and 0.00251; 1000 Genomes Project 0.00779; gnomAD 0.00802 and 0.00865; 1000 Genomes Project 30x 0.00812.

Submissions (9):

Labcorp Genetics (formerly Invitae), Labcorp
Classification: Benign. Last evaluated: 2026-01-27. Review status: criteria provided, single submitter. Criteria: Invitae Variant Classification Sherloc (09022015). Collection method: clinical testing. Allele origin: germline.

Genome-Nilou Lab
Classification: Benign for Microcephaly 5, primary, autosomal recessive. Last evaluated: 2023-04-11. Review status: criteria provided, single submitter. Criteria: ACMG Guidelines, 2015. Collection method: clinical testing. Allele origin: germline. Affected: no.

Fulgent Genetics
Classification: Likely benign for Microcephaly 5, primary, autosomal recessive. Last evaluated: 2021-10-05. Review status: criteria provided, single submitter. Criteria: ACMG Guidelines, 2015. Collection method: clinical testing. Allele origin: unknown.

Illumina Laboratory Services, Illumina
Classification: Benign for Microcephaly 5, primary, autosomal recessive. Last evaluated: 2018-01-12. Review status: criteria provided, single submitter. Criteria: ICSL Variant Classification Criteria 13 December 2019. Collection method: clinical testing. Allele origin: germline.
Comment: This variant was observed in the ICSL laboratory as part of a predisposition screen in an ostensibly healthy population. It had not been previously curated by ICSL or reported in the Human Gene Mutation Database (HGMD: prior to June 1st, 2018), and was therefore a candidate for classification through an automated scoring system. Utilizing variant allele frequency, disease prevalence and penetrance estimates, and inheritance mode, an automated score was calculated to assess if this variant is too frequent to cause the disease. Based on the score and internal cut-off values, a variant classified as benign is not then subjected to further curation. The score for this variant resulted in a classification of benign for this disease.

Athena Diagnostics
Classification: Benign. Last evaluated: 2017-10-25. Review status: criteria provided, single submitter. Criteria: Athena Diagnostics Criteria. Collection method: clinical testing. Allele origin: germline.

GeneDx
Classification: Benign. Last evaluated: 2015-12-31. Review status: criteria provided, single submitter. Criteria: GeneDx Variant Classification (06012015). Collection method: clinical testing. Allele origin: germline. Affected: yes.
Comment: This variant is considered likely benign or benign based on one or more of the following criteria: it is a conservative change, it occurs at a poorly conserved position in the protein, it is predicted to be benign by multiple in silico algorithms, and/or has population frequency not consistent with disease.

Eurofins Ntd Llc (ga)
Classification: Benign. Last evaluated: 2015-04-14. Review status: criteria provided, single submitter. Criteria: EGL Classification Definitions 2015. Collection method: clinical testing. Allele origin: germline. Observed: 2 variant alleles, 2 heterozygotes.

Genetic Services Laboratory, University of Chicago
Classification: Benign. Last evaluated: 2013-02-08. Review status: criteria provided, single submitter. Criteria: ACMG Guidelines, 2007. Collection method: clinical testing. Allele origin: germline. Inheritance: Autosomal recessive inheritance.

Breakthrough Genomics
Classification: Benign. Review status: criteria provided, single submitter. Criteria: ACMG Guidelines, 2015. Collection method: not provided. Allele origin: germline. Inheritance: Autosomal recessive inheritance. Affected: yes.